The following is an entry in ClinVar:

ClinVar aggregate classification (germline): Uncertain significance (1 of 4 stars; one submission).

gnomAD v4.1: 5 of 1,614,118 alleles (0.00031%); highest among the groups gnomAD compares: South Asian, 0.0033%; no homozygotes.

Submission:

Labcorp Genetics (formerly Invitae), Labcorp
Classification: Uncertain significance. Last evaluated: 2024-03-08. Review status: criteria provided, single submitter. Criteria: Invitae Variant Classification Sherloc (09022015). Collection method: clinical testing. Allele origin: germline.
Comment: This sequence change replaces valine, which is neutral and non-polar, with methionine, which is neutral and non-polar, at codon 889 of the SORL1 protein (p.Val889Met). This variant is not present in population databases (gnomAD no frequency). This variant has not been reported in the literature in individuals affected with SORL1-related conditions. Algorithms developed to predict the effect of missense changes on protein structure and function output the following: SIFT: "Not Available"; PolyPhen-2: "Benign"; Align-GVGD: "Not Available". The methionine amino acid residue is found in multiple mammalian species, which suggests that this missense change does not adversely affect protein function. In summary, the available evidence is currently insufficient to determine the role of this variant in disease. Therefore, it has been classified as a Variant of Uncertain Significance.

NM_003105.6(SORL1):c.2665G>A (p.Val889Met)

Gene: SORL1 (sortilin related receptor 1; plus strand). Cytogenetic location: 11q24.1.
Variant type: single nucleotide variant.
Coding change: c.2665G>A on transcript NM_003105.6 (MANE Select); coding-DNA position 2665, G replaced by A.
Protein change: p.Val889Met; replaces valine 889 with methionine.
Molecular consequence: missense variant.
Genome position (GRCh38, 1-based): chr11:121,558,592, G>A. VCF-style: chr11-121558592-G-A. GRCh37 (hg19) VCF-style: chr11-121429301-G-A.
Other names: short protein forms V889M.
Identifiers: ClinVar variation 3629172 (VCV003629172.2).